The following is an entry in ClinVar:

NM_207122.2(EXT2):c.1262_1263dup (p.Ala422fs)

Gene: EXT2 (exostosin glycosyltransferase 2; plus strand). Cytogenetic location: 11p11.2.
Variant type: Microsatellite.
Coding change: c.1262_1263dup on transcript NM_207122.2 (MANE Select); coding-DNA positions 1262 to 1263, 2 bases duplicated (AT; older notation c.1262_1263dupAT).
Protein change: p.Ala422fs; shifts the reading frame from alanine 422.
Molecular consequence: frameshift variant.
Genome position (GRCh38, 1-based): chr11:44,171,699-44,171,700, AT duplicated; duplicating any 2 consecutive bases within chr11:44,171,697-44,171,700 gives the same sequence; the c. name uses the placement nearest the transcript's 3' end. VCF-style (leftmost placement, unchanged base first): chr11-44171696-C-CAT. GRCh37 (hg19) VCF-style: chr11-44193246-C-CAT.
Other names: c.1262_1263dup (NM_207122.1); c.1361_1362dup, p.Ala455fs (NM_000401.3); c.1292_1293dup, p.Ala432fs (NM_001178083.3); short protein forms A432fs, A455fs, A422fs.
Identifiers: ClinVar variation 817044 (VCV000817044.11), dbSNP rs1590618958, ClinGen allele CA915948142.

ClinVar aggregate classification (germline): Pathogenic. Review status: criteria provided, multiple submitters, no conflicts (2 of 4 stars). 2 submissions from 2 submitters: Pathogenic (2). Last evaluated 2025-02-10.

Conditions:
Exostoses, multiple, type 2 (EXT2). Also called: Hereditary Multiple Osteochondromatosis, Type II; EXOSTOSES, MULTIPLE, TYPE II. Identifiers: Orphanet 321, MedGen C1851413, MONDO:0007586, OMIM 133701.

Submissions (2):

Labcorp Genetics (formerly Invitae), Labcorp
Classification: Pathogenic for Exostoses, multiple, type 2. Last evaluated: 2025-02-10. Review status: criteria provided, single submitter. Criteria: Invitae Variant Classification Sherloc (09022015). Collection method: clinical testing. Allele origin: germline.
Comment: This sequence change creates a premature translational stop signal (p.Ala422Metfs*15) in the EXT2 gene. It is expected to result in an absent or disrupted protein product. Loss-of-function variants in EXT2 are known to be pathogenic (PMID: 10679937, 19810120). This variant is not present in population databases (gnomAD no frequency). This premature translational stop signal has been observed in individual(s) with multiple osteochondromas (PMID: 9463333; internal data). Invitae Evidence Modeling of clinical and family history, age, sex, and reported ancestry of multiple individuals with this EXT2 variant has been performed. This variant is expected to be pathogenic with a positive predictive value of at least 99%. This is a validated machine learning model that incorporates the clinical features of 50,122 individuals referred to our laboratory for EXT2 testing. ClinVar contains an entry for this variant (Variation ID: 817044). For these reasons, this variant has been classified as Pathogenic.

GeneDx
Classification: Pathogenic. Last evaluated: 2022-07-22. Review status: criteria provided, single submitter. Criteria: GeneDx Variant Classification Process June 2021. Collection method: clinical testing. Allele origin: germline. Affected: yes.
Comment: Frameshift variant predicted to result in protein truncation or nonsense mediated decay in a gene for which loss of function is a known mechanism of disease; Not observed at significant frequency in large population cohorts (gnomAD); This variant is associated with the following publications: (PMID: 10679937, 9463333)

Literature cited by the submitters: PubMed 10679937 (cited by Labcorp Genetics (formerly Invitae), Labcorp); PubMed 19810120 (cited by Labcorp Genetics (formerly Invitae), Labcorp); PubMed 9463333 (cited by Labcorp Genetics (formerly Invitae), Labcorp).